The following is an entry in ClinVar:

NM_000742.4(CHRNA2):c.106G>T (p.Ala36Ser)

Gene: CHRNA2 (cholinergic receptor nicotinic alpha 2 subunit; minus strand). Cytogenetic location: 8p21.2.
Variant type: single nucleotide variant.
Coding change: c.106G>T on transcript NM_000742.4 (MANE Select); coding-DNA position 106, G replaced by T.
Protein change: p.Ala36Ser; replaces alanine 36 with serine.
Molecular consequence: missense variant. On other transcripts: 5 prime UTR variant (4).
Genome position (GRCh38, 1-based): chr8:27,469,949, C>A on the plus strand (G>T on the coding strand, the complement: CHRNA2 is on the minus strand). VCF-style: chr8-27469949-C-A. GRCh37 (hg19) VCF-style: chr8-27327466-C-A.
Other names: c.106G>T, p.Ala36Ser (NM_001282455.2); c.-322G>T (NM_001347705.2); c.-367G>T (NM_001347706.2); c.-308G>T (NM_001347707.2); c.-356G>T (NM_001347708.2); short protein forms A36S.
Identifiers: ClinVar variation 1047246 (VCV001047246.6), dbSNP rs771977388, ClinGen allele CA4689788.

ClinVar aggregate classification (germline): Uncertain significance. Review status: criteria provided, multiple submitters, no conflicts (2 of 4 stars). 2 submissions from 2 submitters: Uncertain significance (2). Last evaluated 2023-12-04.

Conditions:
Familial sleep-related hypermotor epilepsy. Also called: Autosomal Dominant Sleep-Related Hypermotor (Hyperkinetic) Epilepsy. Identifiers: Orphanet 98784, MedGen C3696898, MONDO:0000030.

Allele frequency attached by ClinVar (database versions not stated): TOPMed below 0.00001; gnomAD 0.00001; gnomAD exomes 0.00001; ExAC 0.00002.
gnomAD v4.1: 11 of 1,613,904 alleles (0.00068%); highest among the groups gnomAD compares: Middle Eastern, 0.033%; no homozygotes.

Submissions (2):

Blueprint Genetics
Classification: Uncertain significance. Last evaluated: 2023-12-04. Review status: criteria provided, single submitter. Criteria: ACMG Guidelines, 2015. Collection method: clinical testing. Allele origin: germline.

Labcorp Genetics (formerly Invitae), Labcorp
Classification: Uncertain significance. Last evaluated: 2021-11-27. Review status: criteria provided, single submitter. Criteria: Invitae Variant Classification Sherloc (09022015). Collection method: clinical testing. Allele origin: germline.
Comment: This variant is present in population databases (rs771977388, gnomAD 0.007%). This sequence change replaces alanine, which is neutral and non-polar, with serine, which is neutral and polar, at codon 36 of the CHRNA2 protein (p.Ala36Ser). This variant has not been reported in the literature in individuals affected with CHRNA2-related conditions. ClinVar contains an entry for this variant (Variation ID: 1047246). Advanced modeling of protein sequence and biophysical properties (such as structural, functional, and spatial information, amino acid conservation, physicochemical variation, residue mobility, and thermodynamic stability) performed at Invitae indicates that this missense variant is not expected to disrupt CHRNA2 protein function. Algorithms developed to predict the effect of sequence changes on RNA splicing suggest that this variant may create or strengthen a splice site. In summary, the available evidence is currently insufficient to determine the role of this variant in disease. Therefore, it has been classified as a Variant of Uncertain Significance.